The following is an entry in ClinVar:

NM_000326.5(RLBP1):c.61C>T (p.Gln21Ter)

Gene: RLBP1 (retinaldehyde binding protein 1; minus strand). Cytogenetic location: 15q26.1.
Variant type: single nucleotide variant.
Coding change: c.61C>T on transcript NM_000326.5 (MANE Select); coding-DNA position 61, C replaced by T.
Protein change: p.Gln21Ter; replaces glutamine 21 with a stop codon.
Molecular consequence: nonsense.
Genome position (GRCh38, 1-based): chr15:89,218,645, G>A on the plus strand (C>T on the coding strand, the complement: RLBP1 is on the minus strand). VCF-style: chr15-89218645-G-A. GRCh37 (hg19) VCF-style: chr15-89761876-G-A.
Other names: short protein forms Q21*.
Identifiers: ClinVar variation 2861745 (VCV002861745.3), dbSNP rs2505865153, ClinGen allele CA393731825.

ClinVar aggregate classification (germline): Pathogenic (1 of 4 stars; one submission).

Submission:

Labcorp Genetics (formerly Invitae), Labcorp
Classification: Pathogenic. Last evaluated: 2023-05-02. Review status: criteria provided, single submitter. Criteria: Invitae Variant Classification Sherloc (09022015). Collection method: clinical testing. Allele origin: germline.
Comment: For these reasons, this variant has been classified as Pathogenic. This variant has not been reported in the literature in individuals affected with RLBP1-related conditions. This sequence change creates a premature translational stop signal (p.Gln21*) in the RLBP1 gene. It is expected to result in an absent or disrupted protein product. Loss-of-function variants in RLBP1 are known to be pathogenic (PMID: 2392416, 11301032, 21447491, 25429852). This variant is not present in population databases (gnomAD no frequency).

Literature cited by the submitters: PubMed 2392416; PubMed 11301032; PubMed 21447491; PubMed 25429852.